The following is an entry in ClinVar:

NM_001267550.2(TTN):c.97846_97848dup (p.Ser32616_Val32617insSer)

Genes: TTN (titin; minus strand), TTN-AS1 (TTN antisense RNA 1; plus strand). Cytogenetic location: 2q31.2.
Variant type: Duplication.
Coding change: c.97846_97848dup on transcript NM_001267550.2 (MANE Select); coding-DNA positions 97846 to 97848, 3 bases duplicated (TCA; older notation c.97846_97848dupTCA).
Protein change: p.Ser32616_Val32617insSer.
Genome position (GRCh38, 1-based): chr2:178,540,318-178,540,320, TGA duplicated on the plus strand (TCA on the coding strand, the reverse complement: TTN is on the minus strand); duplicating any 3 consecutive bases within chr2:178,540,318-178,540,322 gives the same sequence; the c. name uses the placement nearest the transcript's 3' end. VCF-style (leftmost placement, unchanged base first): chr2-178540317-C-CTGA. GRCh37 (hg19) VCF-style: chr2-179405044-C-CTGA.
Other names: c.90142_90144dup, p.Ser30048_Val30049insSer (NM_133378.4); c.71026_71028dup, p.Ser23676_Val23677insSer (NM_133432.3); c.71227_71229dup, p.Ser23743_Val23744insSer (NM_133437.4); c.92923_92925dup, p.Ser30975_Val30976insSer (NM_001256850.1); c.70651_70653dup, p.Ser23551_Val23552insSer (NM_003319.4); c.70651_70653dupTCA (NM_003319.4).
Identifiers: ClinVar variation 4193772 (VCV004193772.1).

ClinVar aggregate classification (germline): Uncertain significance (1 of 4 stars; one submission).

Conditions:
Cardiovascular phenotype. Identifiers: MedGen CN230736.

Submission:

Ambry Genetics
Classification: Uncertain significance for Cardiovascular phenotype. Last evaluated: 2025-08-28. Review status: criteria provided, single submitter. Criteria: Ambry Variant Classification Scheme 2023. Collection method: clinical testing. Allele origin: germline.
Comment: The c.70651_70653dupTCA variant (also known as p.S23551dup), located in coding exon 178 of the TTN gene, results from an in-frame duplication of TCA at nucleotide positions 70651 to 70653. This results in the duplication of an extra serine residue between codons 23551 and 23552. This amino acid position is highly conserved in available vertebrate species. In addition, this variant is predicted to be deleterious by in silico analysis (Choi Y et al. PLoS ONE. 2012; 7(10):e46688). Based on the available evidence, the clinical significance of this variant remains unclear.